The following is an entry in ClinVar:

NM_004370.6(COL12A1):c.2645C>T (p.Ser882Phe)

Gene: COL12A1 (collagen type XII alpha 1 chain; minus strand). Cytogenetic location: 6q13.
Variant type: single nucleotide variant.
Coding change: c.2645C>T on transcript NM_004370.6 (MANE Select); coding-DNA position 2645, C replaced by T.
Protein change: p.Ser882Phe; replaces serine 882 with phenylalanine.
Molecular consequence: missense variant. On other transcripts: intron variant (3).
Genome position (GRCh38, 1-based): chr6:75,175,103, G>A on the plus strand (C>T on the coding strand, the complement: COL12A1 is on the minus strand). VCF-style: chr6-75175103-G-A. GRCh37 (hg19) VCF-style: chr6-75884819-G-A.
Other names: c.2645C>T, p.Ser882Phe (NM_001424113.1, NM_001424114.1); c.74-22621C>T (NM_001424116.1, NM_080645.3); c.2437+2560C>T (NM_001424115.1); short protein forms S882F.
Identifiers: ClinVar variation 4782570 (VCV004782570.1).

ClinVar aggregate classification (germline): Uncertain significance (1 of 4 stars; one submission).

Conditions:
Ullrich congenital muscular dystrophy 2 (UCMD2). Identifiers: Orphanet 75840, MedGen C4225314, MONDO:0014654, OMIM 616470.
Bethlem myopathy 2 (BTHLM2). Identifiers: Orphanet 536516, Orphanet 610, MedGen C4225313, MONDO:0034022, OMIM 616471.

Submission:

Labcorp Genetics (formerly Invitae), Labcorp
Classification: Uncertain significance for Bethlem myopathy 2; Ullrich congenital muscular dystrophy 2. Last evaluated: 2025-10-15. Review status: criteria provided, single submitter. Criteria: Invitae Variant Classification Sherloc (09022015). Collection method: clinical testing. Allele origin: germline.
Comment: This sequence change replaces serine, which is neutral and polar, with phenylalanine, which is neutral and non-polar, at codon 882 of the COL12A1 protein (p.Ser882Phe). This variant is not present in population databases (gnomAD no frequency). This variant has not been reported in the literature in individuals affected with COL12A1-related conditions. Invitae Evidence Modeling of protein sequence and biophysical properties (such as structural, functional, and spatial information, amino acid conservation, physicochemical variation, residue mobility, and thermodynamic stability) indicates that this missense variant is not expected to disrupt COL12A1 protein function with a negative predictive value of 80%. In summary, the available evidence is currently insufficient to determine the role of this variant in disease. Therefore, it has been classified as a Variant of Uncertain Significance.